The following is an entry in ClinVar:

ClinVar aggregate classification (germline): Benign. Review status: criteria provided, multiple submitters, no conflicts (2 of 4 stars). 2 submissions from 2 submitters: Benign (2). Last evaluated 2018-01-13.

Conditions:
Adenosine kinase deficiency. Also called: Hypermethioninemia due to adenosine kinase deficiency; MENTAL RETARDATION, AUTOSOMAL RECESSIVE 8. Identifiers: Orphanet 289290, Orphanet 88616, MedGen C4706555, MONDO:0100255, OMIM 614300.

Allele frequency attached by ClinVar (database versions not stated): gnomAD exomes 0.56061; gnomAD 0.82613 and 0.82915; TOPMed 0.84639; 1000 Genomes Project 0.85004; 1000 Genomes Project 30x 0.85009.
gnomAD v4.1: 125,829 of 152,282 alleles (83%); highest among the groups gnomAD compares: African/African-American, 94%; 52,533 homozygotes.

Submissions (2):

Illumina Laboratory Services, Illumina
Classification: Benign for Adenosine kinase deficiency. Last evaluated: 2018-01-13. Review status: criteria provided, single submitter. Criteria: ICSL Variant Classification Criteria 13 December 2019. Collection method: clinical testing. Allele origin: germline.
Comment: This variant was observed in the ICSL laboratory as part of a predisposition screen in an ostensibly healthy population. It had not been previously curated by ICSL or reported in the Human Gene Mutation Database (HGMD: prior to June 1st, 2018), and was therefore a candidate for classification through an automated scoring system. Utilizing variant allele frequency, disease prevalence and penetrance estimates, and inheritance mode, an automated score was calculated to assess if this variant is too frequent to cause the disease. Based on the score and internal cut-off values, a variant classified as benign is not then subjected to further curation. The score for this variant resulted in a classification of benign for this disease.

Breakthrough Genomics
Classification: Benign. Review status: criteria provided, single submitter. Criteria: ACMG Guidelines, 2015. Collection method: not provided. Allele origin: germline. Inheritance: Autosomal recessive inheritance. Affected: yes.

NM_006721.4(ADK):c.*648C>T

Gene: ADK (adenosine kinase; plus strand). Cytogenetic location: 10q22.2.
Variant type: single nucleotide variant.
Coding change: c.*648C>T on transcript NM_006721.4 (MANE Select); 648 bases downstream of the stop codon, C replaced by T.
Molecular consequence: 3 prime UTR variant.
Genome position (GRCh38, 1-based): chr10:74,709,093, C>T. VCF-style: chr10-74709093-C-T. GRCh37 (hg19) VCF-style: chr10-76468851-C-T.
Other names: c.*648C>T (NM_001123.4, NM_001202449.2, NM_001202450.2 and 1 more transcripts); c.*737C>T (NM_001369123.1).
Identifiers: ClinVar variation 300847 (VCV000300847.6), dbSNP rs1189553, ClinGen allele CA10632267.